The following is an entry in ClinVar:

ClinVar aggregate classification (germline): Likely benign. Review status: criteria provided, multiple submitters, no conflicts (2 of 4 stars). 4 submissions from 4 submitters: Likely benign (3). 1 of the submissions does not count toward it. Last evaluated 2025-10-25.

Conditions:
LAMA5-related disorder. Also called: LAMA5-related condition; LAMA5-Related Disorders.

Allele frequency attached by ClinVar (database versions not stated): 1000 Genomes Project 0.00120; 1000 Genomes Project 30x 0.00141; gnomAD 0.00185; ExAC 0.00219; TOPMed 0.00247; ESP Exome Variant Server 0.00278.
gnomAD v4.1: 4,602 of 1,610,326 alleles (0.29%); highest among the groups gnomAD compares: Non-Finnish European, 0.36%; 11 homozygotes.

Submissions (4):

Labcorp Genetics (formerly Invitae), Labcorp
Classification: Likely benign. Last evaluated: 2025-10-25. Review status: criteria provided, single submitter. Criteria: Invitae Variant Classification Sherloc (09022015). Collection method: clinical testing. Allele origin: germline.

CeGaT Center for Human Genetics Tuebingen
Classification: Likely benign. Last evaluated: 2024-12-01. Review status: criteria provided, single submitter. Criteria: CeGaT Center For Human Genetics Tuebingen Variant Classification Criteria Version 2. Collection method: clinical testing. Allele origin: germline. Affected: yes. Observed: 5 variant alleles.
Comment: LAMA5: BS2

Breakthrough Genomics
Classification: Likely benign. Review status: criteria provided, single submitter. Criteria: ACMG Guidelines, 2015. Collection method: not provided. Allele origin: germline. Inheritance: Autosomal recessive inheritance. Affected: yes.

PreventionGenetics, part of Exact Sciences
Classification: Likely benign for LAMA5-related condition. Last evaluated: 2021-04-29. Review status: no assertion criteria provided. Collection method: clinical testing. Allele origin: germline. Not counted in ClinVar's aggregate classification.
Comment: This variant is classified as likely benign based on ACMG/AMP sequence variant interpretation guidelines (Richards et al. 2015 PMID: 25741868, with internal and published modifications).

NM_005560.6(LAMA5):c.9377C>T (p.Thr3126Ile)

Gene: LAMA5 (laminin subunit alpha 5; minus strand). Cytogenetic location: 20q13.33.
Variant type: single nucleotide variant.
Coding change: c.9377C>T on transcript NM_005560.6 (MANE Select); coding-DNA position 9377, C replaced by T.
Protein change: p.Thr3126Ile; replaces threonine 3126 with isoleucine.
Molecular consequence: missense variant.
Genome position (GRCh38, 1-based): chr20:62,312,300, G>A on the plus strand (C>T on the coding strand, the complement: LAMA5 is on the minus strand). VCF-style: chr20-62312300-G-A. GRCh37 (hg19) VCF-style: chr20-60887356-G-A.
Other names: short protein forms T3126I.
Identifiers: ClinVar variation 770816 (VCV000770816.47), dbSNP rs149357675, ClinGen allele CA9940263.